The following is an entry in ClinVar:

ClinVar aggregate classification (germline): Likely benign (1 of 4 stars; one submission).

gnomAD v4.1: 1 of 1,608,522 alleles (0.000062%); highest among the groups gnomAD compares: African/African-American, 0.0013%; no homozygotes.

Submission:

Mayo Clinic Laboratories, Mayo Clinic
Classification: Likely benign. Last evaluated: 2024-12-23. Review status: criteria provided, single submitter. Criteria: ACMG Guidelines, 2015. Collection method: clinical testing. Allele origin: germline. Observed: 1 variant allele.
Comment: BP4, BP7

NM_003647.3(DGKE):c.1650A>G (p.Thr550=)

Gene: DGKE (diacylglycerol kinase epsilon; plus strand). Cytogenetic location: 17q22.
Variant type: single nucleotide variant.
Coding change: c.1650A>G on transcript NM_003647.3 (MANE Select); coding-DNA position 1650, A replaced by G.
Protein change: p.Thr550=; no amino-acid change (threonine 550 retained).
Molecular consequence: synonymous variant.
Genome position (GRCh38, 1-based): chr17:56,862,737, A>G. VCF-style: chr17-56862737-A-G. GRCh37 (hg19) VCF-style: chr17-54940098-A-G.
Other names: p.Thr550=.
Identifiers: ClinVar variation 4684239 (VCV004684239.1).